The following is an entry in ClinVar:

ClinVar aggregate classification (germline): Uncertain significance (1 of 4 stars; one submission).

Conditions:
Primary ciliary dyskinesia. Also called: Ciliary dyskinesia. Identifiers: Orphanet 244, MedGen C0008780, MONDO:0016575, HP:0012265.

Allele frequency attached by ClinVar (database versions not stated): TOPMed 0.00001; ExAC 0.00002.
gnomAD v4.1: 19 of 1,614,052 alleles (0.0012%); highest among the groups gnomAD compares: Admixed American, 0.0033%; no homozygotes.

Submission:

Labcorp Genetics (formerly Invitae), Labcorp
Classification: Uncertain significance for Primary ciliary dyskinesia. Last evaluated: 2022-05-18. Review status: criteria provided, single submitter. Criteria: Invitae Variant Classification Sherloc (09022015). Collection method: clinical testing. Allele origin: germline.
Comment: This sequence change replaces arginine, which is basic and polar, with histidine, which is basic and polar, at codon 3179 of the DNAH8 protein (p.Arg3179His). This variant is present in population databases (rs747689932, gnomAD 0.006%). This variant has not been reported in the literature in individuals affected with DNAH8-related conditions. Algorithms developed to predict the effect of missense changes on protein structure and function are either unavailable or do not agree on the potential impact of this missense change (SIFT: "Deleterious"; PolyPhen-2: "Not Available"; Align-GVGD: "Class C25"). In summary, the available evidence is currently insufficient to determine the role of this variant in disease. Therefore, it has been classified as a Variant of Uncertain Significance.

NM_001206927.2(DNAH8):c.9536G>A (p.Arg3179His)

Genes: DNAH8 (dynein axonemal heavy chain 8; plus strand), DNAH8-AS1 (DNAH8 antisense RNA 1; minus strand). Cytogenetic location: 6p21.2.
Variant type: single nucleotide variant.
Coding change: c.9536G>A on transcript NM_001206927.2 (MANE Select); coding-DNA position 9536, G replaced by A.
Protein change: p.Arg3179His; replaces arginine 3179 with histidine.
Molecular consequence: missense variant.
Genome position (GRCh38, 1-based): chr6:38,909,540, G>A. VCF-style: chr6-38909540-G-A. GRCh37 (hg19) VCF-style: chr6-38877316-G-A.
Other names: c.8885G>A, p.Arg2962His (NM_001371.4); short protein forms R3179H, R2962H.
Identifiers: ClinVar variation 2040260 (VCV002040260.4), dbSNP rs747689932, ClinGen allele CA3790499.